The following is an entry in ClinVar:

ClinVar aggregate classification (germline): Uncertain significance (1 of 4 stars; one submission).

gnomAD v4.1: 8 of 1,612,388 alleles (0.0005%); highest among the groups gnomAD compares: Admixed American, 0.013%; no homozygotes.

Submission:

Labcorp Genetics (formerly Invitae), Labcorp
Classification: Uncertain significance. Last evaluated: 2024-12-20. Review status: criteria provided, single submitter. Criteria: Invitae Variant Classification Sherloc (09022015). Collection method: clinical testing. Allele origin: germline.
Comment: This sequence change replaces threonine, which is neutral and polar, with proline, which is neutral and non-polar, at codon 149 of the CD81 protein (p.Thr149Pro). This variant is present in population databases (rs781372320, gnomAD 0.02%). This variant has not been reported in the literature in individuals affected with CD81-related conditions. ClinVar contains an entry for this variant (Variation ID: 1367153). An algorithm developed to predict the effect of missense changes on protein structure and function (PolyPhen-2) suggests that this variant is likely to be disruptive. In summary, the available evidence is currently insufficient to determine the role of this variant in disease. Therefore, it has been classified as a Variant of Uncertain Significance.

NM_004356.4(CD81):c.445A>C (p.Thr149Pro)

Gene: CD81 (CD81 molecule; plus strand). Cytogenetic location: 11p15.5.
Variant type: single nucleotide variant.
Coding change: c.445A>C on transcript NM_004356.4 (MANE Select); coding-DNA position 445, A replaced by C.
Protein change: p.Thr149Pro; replaces threonine 149 with proline.
Molecular consequence: missense variant.
Genome position (GRCh38, 1-based): chr11:2,395,506, A>C. VCF-style: chr11-2395506-A-C. GRCh37 (hg19) VCF-style: chr11-2416736-A-C.
Other names: c.232A>C, p.Thr78Pro (NM_001297649.2); short protein forms T78P, T149P.
Identifiers: ClinVar variation 1367153 (VCV001367153.8), dbSNP rs781372320, ClinGen allele CA5820006.